The following is an entry in ClinVar:

ClinVar aggregate classification (germline): Pathogenic. Review status: criteria provided, multiple submitters, no conflicts (2 of 4 stars). 8 submissions from 8 submitters: Pathogenic (6). 2 of the submissions do not count toward it. Last evaluated 2025-09-15.

Conditions:
PKD1-related disorder. Also called: PKD1-related condition.
Polycystic kidney disease, adult type (PKD1). Also called: POLYCYSTIC KIDNEY DISEASE, ADULT, TYPE I; Polycystic Kidney Disease 1, Autosomal Dominant; Polycystic kidney disease 1; Polycystic kidney disease 1, severe; Polycystic Kidney, Autosomal Dominant; POLYCYSTIC KIDNEY DISEASE 1 WITH OR WITHOUT POLYCYSTIC LIVER DISEASE. Identifiers: MedGen C3149841, MONDO:0008263, OMIM 173900.

Submissions (8):

Women's Health and Genetics/Laboratory Corporation of America, LabCorp
Classification: Pathogenic for Polycystic kidney disease, adult type. Last evaluated: 2025-09-15. Review status: criteria provided, single submitter. Criteria: LabCorp Variant Classification Summary - May 2015. Collection method: clinical testing. Allele origin: germline.
Comment: Variant summary: PKD1 c.7987C>T (p.Gln2663X) results in a premature termination codon, predicted to cause a truncation of the encoded protein or absence of the protein due to nonsense mediated decay, which are commonly known mechanisms for disease. The variant was absent in 227002 control chromosomes. c.7987C>T has been observed de novo in individual(s) affected with Polycystic Kidney Disease 1 (Audrezet_2012). To our knowledge, no experimental evidence demonstrating an impact on protein function has been reported. The following publication have been ascertained in the context of this evaluation (PMID: 22508176). ClinVar contains an entry for this variant (Variation ID: 618315). Based on the evidence outlined above, the variant was classified as pathogenic.

GeneDx
Classification: Pathogenic. Last evaluated: 2024-10-04. Review status: criteria provided, single submitter. Criteria: GeneDx Variant Classification Process June 2021. Collection method: clinical testing. Allele origin: germline. Affected: yes.
Comment: Not observed in large population cohorts (gnomAD); Nonsense variant predicted to result in protein truncation or nonsense mediated decay in a gene for which loss of function is a known mechanism of disease; This variant is associated with the following publications: (PMID: Bekheirnia2021[paper], 27782177, 30816285, 33454723, 35368817, 37468838, 22508176, 36938073)

Genetic Services Laboratory, University of Chicago
Classification: Pathogenic. Last evaluated: 2023-10-26. Review status: criteria provided, single submitter. Criteria: ACMG Guidelines, 2015. Collection method: clinical testing. Allele origin: germline. Affected: yes.
Comment: DNA sequence analysis of the PKD1 gene demonstrated a sequence change, c.7987C>T, which results in the creation of a premature stop codon at amino acid position 2663, p.Gln2663*. This pathogenic sequence change is predicted to result in an abnormal transcript, which may be degraded, or may lead to the production of a truncated PKD1 protein with potentially abnormal function. This pathogenic sequence change has previously been described in several unrelated individuals with autosomal dominant polycystic kidney disease [PMID: 22508176, 33454723, 27782177, 30816285]. This sequence change has not been described in the population databases such as ExAC and gnomAD. These collective evidences indicate that this sequence change is pathogenic.

Fulgent Genetics
Classification: Pathogenic for Polycystic kidney disease, adult type. Last evaluated: 2021-11-11. Review status: criteria provided, single submitter. Criteria: ACMG Guidelines, 2015. Collection method: clinical testing. Allele origin: unknown.

Cavalleri Lab, Royal College of Surgeons in Ireland
Classification: Pathogenic for Polycystic kidney disease, adult type. Last evaluated: 2020-02-05. Review status: criteria provided, single submitter. Criteria: ACMG Guidelines, 2015. Collection method: research. Allele origin: unknown. Inheritance: Autosomal dominant inheritance. Affected: yes.
Comment: PVS1, PM2, PP4, PP5

ARUP Laboratories, Molecular Genetics and Genomics, ARUP Laboratories
Classification: Pathogenic. Last evaluated: 2018-05-23. Review status: criteria provided, single submitter. Criteria: ARUP Molecular Germline Variant Investigation Process. Collection method: clinical testing. Allele origin: germline.
Comment: The PKD1 c.7987C>T; p.Gln2663Ter variant is reported in the literature in individuals with autosomal dominant polycystic kidney disease (ADPKD) (Audrezet 2012, Jin 2016), and found to occur de novo (Audrezet 2012). This variant is absent from the general population databases (1000 Genomes Project, Exome Variant Server, and Genome Aggregation Database), indicating it is not a common polymorphism. This variant induces an early termination codon and is predicted to result in a truncated protein or mRNA subject to nonsense-mediated decay. Based on available information, this variant is considered to be pathogenic. REFERENCES Audrezet MP et al. Autosomal dominant polycystic kidney disease: comprehensive mutation analysis of PKD1 and PKD2 in 700 unrelated patients. Hum Mutat. 2012 Aug;33(8):1239-50. Jin M et al. System analysis of gene mutations and clinical phenotype in Chinese patients with autosomal-dominant polycystic kidney disease. Sci Rep. 2016 Oct 26;6:35945.

PreventionGenetics, part of Exact Sciences
Classification: Pathogenic for PKD1-related condition. Last evaluated: 2024-06-18. Review status: no assertion criteria provided. Collection method: clinical testing. Allele origin: germline. Not counted in ClinVar's aggregate classification.
Comment: The PKD1 c.7987C>T variant is predicted to result in premature protein termination (p.Gln2663*). This variant has been reported in individuals with polycystic kidney disease, in some cases with de novo occurrence (see for example, Audrézet et al 2012. PubMed ID: 22508176; Pandita S et al 2019. PubMed ID: 30816285). This variant has not been reported in gnomAD, indicating it is rare. Nonsense variants in PKD1 are expected to be pathogenic. An in vitro functional study revealed that this variant can also lead to partial skipping of exon 21 in some transcripts, which would be expected to result in an in-frame deletion (Liu et al. 2023. PubMed ID: 37468838); however, the effect of this variant on splicing in vivo is unknown. This variant is interpreted as pathogenic.

Genomic Medicine Center of Excellence, King Faisal Specialist Hospital and Research Centre
Classification: Uncertain significance for Polycystic kidney disease, adult type. Last evaluated: 2025-09-10. Review status: flagged submission. Criteria: ACMG Guidelines, 2015. Collection method: clinical testing. Allele origin: germline. Not counted in ClinVar's aggregate classification.
ClinVar note: Reason: Outlier claim with insufficient supporting evidence

Literature cited by the submitters: PubMed 22508176 (cited by Women's Health and Genetics/Laboratory Corporation of America, LabCorp).

NM_001009944.3(PKD1):c.7987C>T (p.Gln2663Ter)

Gene: PKD1 (polycystin 1, transient receptor potential channel interacting; minus strand). Cytogenetic location: 16p13.3.
Variant type: single nucleotide variant.
Coding change: c.7987C>T on transcript NM_001009944.3 (MANE Select); coding-DNA position 7987, C replaced by T.
Protein change: p.Gln2663Ter; replaces glutamine 2663 with a stop codon.
Molecular consequence: nonsense.
Genome position (GRCh38, 1-based): chr16:2,105,351, G>A on the plus strand (C>T on the coding strand, the complement: PKD1 is on the minus strand). VCF-style: chr16-2105351-G-A. GRCh37 (hg19) VCF-style: chr16-2155352-G-A.
Other names: c.7987C>T, p.Gln2663Ter (NM_000296.4); c.7987C>T (NM_001009944.2); short protein forms Q2663*.
Identifiers: ClinVar variation 618315 (VCV000618315.18), dbSNP rs1567182193, ClinGen allele CA394365906.
Genomic context (GRCh38, chr16:2,105,351, plus strand): 5'-GGGGCAGGGTGAGCAGGTGGGGCCATCCTACCATGCACTGGGCCAGCGCAGCAGCGATCT[G>A]CTGGATGTCATCCACAGTGTGGACCCTCAGGGACACCAGAGTCTCCGTGATGTTCTTGCG-3'